The following is an entry in ClinVar:

ClinVar aggregate classification (germline): Uncertain significance (1 of 4 stars; one submission).

Submission:

Labcorp Genetics (formerly Invitae), Labcorp
Classification: Uncertain significance. Last evaluated: 2023-07-19. Review status: criteria provided, single submitter. Criteria: Invitae Variant Classification Sherloc (09022015). Collection method: clinical testing. Allele origin: germline.
Comment: In summary, the available evidence is currently insufficient to determine the role of this variant in disease. Therefore, it has been classified as a Variant of Uncertain Significance. An algorithm developed to predict the effect of missense changes on protein structure and function (PolyPhen-2) suggests that this variant is likely to be disruptive. This variant has not been reported in the literature in individuals affected with IL2RB-related conditions. This variant is not present in population databases (gnomAD no frequency). This sequence change replaces alanine, which is neutral and non-polar, with valine, which is neutral and non-polar, at codon 372 of the IL2RB protein (p.Ala372Val).

NM_000878.5(IL2RB):c.1115C>T (p.Ala372Val)

Gene: IL2RB (interleukin 2 receptor subunit beta; minus strand). Cytogenetic location: 22q12.3.
Variant type: single nucleotide variant.
Coding change: c.1115C>T on transcript NM_000878.5 (MANE Select); coding-DNA position 1115, C replaced by T.
Protein change: p.Ala372Val; replaces alanine 372 with valine.
Molecular consequence: missense variant.
Genome position (GRCh38, 1-based): chr22:37,128,637, G>A on the plus strand (C>T on the coding strand, the complement: IL2RB is on the minus strand). VCF-style: chr22-37128637-G-A. GRCh37 (hg19) VCF-style: chr22-37524677-G-A.
Other names: c.1115C>T, p.Ala372Val (NM_001346222.1, NM_001346223.2); short protein forms A372V.
Identifiers: ClinVar variation 2847471 (VCV002847471.3), dbSNP rs1421215107, ClinGen allele CA411425224.